The following is an entry in ClinVar:

ClinVar aggregate classification (germline): Benign/Likely benign. Review status: criteria provided, multiple submitters, no conflicts (2 of 4 stars). 5 submissions from 5 submitters: Benign (1); Likely benign (4). Last evaluated 2025-01-06.

Conditions:
Hereditary cancer-predisposing syndrome. Also called: Neoplastic Syndromes, Hereditary; Tumor predisposition; Hereditary neoplastic syndrome; Hereditary Cancer Syndrome. Identifiers: Orphanet 140162, MedGen C0027672, MeSH D009386, MONDO:0015356.
Lynch syndrome 5 (LYNCH5). Also called: Colorectal cancer, hereditary nonpolyposis, type 5; Hereditary non-polyposis colorectal cancer, type 5. Identifiers: Orphanet 144, MedGen C1833477, MONDO:0013710, OMIM 614350. Disease mechanism: loss of function.
Lynch syndrome. Identifiers: Orphanet 144, MedGen C4552100, MONDO:0005835. Disease mechanism: loss of function.
Hereditary nonpolyposis colorectal neoplasms. Identifiers: MedGen C0009405, MeSH D003123.

Submissions (5):

Myriad Genetics, Inc.
Classification: Benign for Lynch syndrome 5. Last evaluated: 2025-01-06. Review status: criteria provided, single submitter. Criteria: Myriad Autosomal Dominant, Autosomal Recessive and X-Linked Classification Criteria (2023). Collection method: clinical testing. Allele origin: unknown.
Comment: This variant is considered benign. This variant is a silent/synonymous amino acid change and it is not expected to impact splicing.

All of Us Research Program, National Institutes of Health
Classification: Likely benign for Lynch syndrome. Last evaluated: 2023-11-02. Review status: criteria provided, single submitter. Criteria: ACMG Guidelines, 2015. Collection method: clinical testing. Allele origin: germline. Inheritance: Autosomal dominant inheritance. Observed: 1 variant allele, 1 heterozygote.
Comment: This study involves interpretation of variants in research participants for the purpose of population health screening. Participant phenotype was not available at the time of variant classification. Additional details can be found in publication PMID: 35346344, PMCID: PMC8962531

Color Diagnostics, LLC DBA Color Health
Classification: Likely benign for Hereditary cancer-predisposing syndrome. Last evaluated: 2023-10-25. Review status: criteria provided, single submitter. Criteria: ACMG Guidelines, 2015. Collection method: clinical testing. Allele origin: germline.

Labcorp Genetics (formerly Invitae), Labcorp
Classification: Likely benign for Hereditary nonpolyposis colorectal neoplasms. Last evaluated: 2022-08-25. Review status: criteria provided, single submitter. Criteria: Invitae Variant Classification Sherloc (09022015). Collection method: clinical testing. Allele origin: germline.

Ambry Genetics
Classification: Likely benign for Hereditary cancer-predisposing syndrome. Last evaluated: 2019-12-04. Review status: criteria provided, single submitter. Criteria: Ambry Variant Classification Scheme 2023. Collection method: clinical testing. Allele origin: germline.

NM_000179.3(MSH6):c.3402A>G (p.Gly1134=)

Gene: MSH6 (mutS homolog 6; plus strand). Cytogenetic location: 2p16.3.
Variant type: single nucleotide variant.
Coding change: c.3402A>G on transcript NM_000179.3 (MANE Select); coding-DNA position 3402, A replaced by G.
Protein change: p.Gly1134=; no amino-acid change (glycine 1134 retained).
Molecular consequence: synonymous variant.
Genome position (GRCh38, 1-based): chr2:47,803,649, A>G. VCF-style: chr2-47803649-A-G. GRCh37 (hg19) VCF-style: chr2-48030788-A-G.
Other names: c.3012A>G, p.Gly1004= (NM_001281492.2); c.2496A>G, p.Gly832= (NM_001281493.2, NM_001281494.2).
Identifiers: ClinVar variation 823731 (VCV000823731.15), dbSNP rs1572736055, ClinGen allele CA346758877.